The following is an entry in ClinVar:

NM_015335.5(MED13L):c.269A>G (p.Asp90Gly)

Gene: MED13L (mediator complex subunit 13L; minus strand). Cytogenetic location: 12q24.21.
Variant type: single nucleotide variant.
Coding change: c.269A>G on transcript NM_015335.5 (MANE Select); coding-DNA position 269, A replaced by G.
Protein change: p.Asp90Gly; replaces aspartic acid 90 with glycine.
Molecular consequence: missense variant.
Genome position (GRCh38, 1-based): chr12:116,237,509, T>C on the plus strand (A>G on the coding strand, the complement: MED13L is on the minus strand). VCF-style: chr12-116237509-T-C. GRCh37 (hg19) VCF-style: chr12-116675314-T-C.
Other names: short protein forms D90G.
Identifiers: ClinVar variation 1308569 (VCV001308569.2), dbSNP rs2138459001, ClinGen allele CA386927283.
Genomic context (GRCh38, chr12:116,237,509, plus strand): 5'-AAAAAAACAGAAACCTTACCCTGCAGTTCATGATGTATTACACCCACTAGGTTGGGTTCA[T>C]CTCCCCACCAGAATATCCATAACTCTTTGCAATCTGGTTTGACATCACGACGCCATACAC-3'
Protein context (NP_056150.1, residues 80-100): CKELWIFWWG[Asp90Gly]EPNLVGVIHH

ClinVar aggregate classification (germline): Uncertain significance (1 of 4 stars; one submission).

Submission:

GeneDx
Classification: Uncertain significance. Last evaluated: 2019-04-04. Review status: criteria provided, single submitter. Criteria: GeneDx Variant Classification Process June 2021. Collection method: clinical testing. Allele origin: germline. Affected: yes.
Comment: Not observed in large population cohorts (Lek et al., 2016); In silico analysis, which includes protein predictors and evolutionary conservation, supports a deleterious effect; Has not been previously published as pathogenic or benign to our knowledge